The following is an entry in ClinVar:

NM_000548.5(TSC2):c.1444-5T>A

Gene: TSC2 (TSC complex subunit 2; plus strand). Cytogenetic location: 16p13.3.
Variant type: single nucleotide variant.
Coding change: c.1444-5T>A on transcript NM_000548.5 (MANE Select); 5 bases into the intron before coding-DNA position 1444, T replaced by A.
Molecular consequence: intron variant.
Genome position (GRCh38, 1-based): chr16:2,064,267, T>A. VCF-style: chr16-2064267-T-A. GRCh37 (hg19) VCF-style: chr16-2114268-T-A.
Other names: c.1444-5T>A (NM_001114382.3, NM_021055.3, NM_001370405.1 and 3 more transcripts); c.1333-5T>A (NM_001318827.2); c.844-5T>A (NM_001318831.2); c.1297-5T>A (NM_001318829.2); c.1477-5T>A (NM_001318832.2).
Identifiers: ClinVar variation 1002343 (VCV001002343.8), dbSNP rs2087005659, ClinGen allele CA2201991370.
Genomic context (GRCh38, chr16:2,064,267, plus strand): 5'-GGAAGTGTCACGAGATGTGGCCCTCGTTGGGCTGGCGCTCATTGGCCTCCCTTGTGCCTG[T>A]GCAGGAGGAGCTGATTAACTCAGTGGTCATCTCGCAGCTCTCCCACATCCCCGAGGATAA-3'

ClinVar aggregate classification (germline): Uncertain significance (1 of 4 stars; one submission).

Conditions:
Tuberous sclerosis 2 (TSC2). Identifiers: Orphanet 805, MedGen C1860707, MONDO:0013199, OMIM 613254.

Submission:

Labcorp Genetics (formerly Invitae), Labcorp
Classification: Uncertain significance for Tuberous sclerosis 2. Last evaluated: 2020-02-11. Review status: criteria provided, single submitter. Criteria: Invitae Variant Classification Sherloc (09022015). Collection method: clinical testing. Allele origin: germline.
Comment: Algorithms developed to predict the effect of sequence changes on RNA splicing suggest that this variant may disrupt the consensus splice site, but this prediction has not been confirmed by published transcriptional studies. This sequence change falls in intron 14 of the TSC2 gene. It does not directly change the encoded amino acid sequence of the TSC2 protein. This variant is not present in population databases (ExAC no frequency). This variant has not been reported in the literature in individuals with TSC2-related conditions. In summary, the available evidence is currently insufficient to determine the role of this variant in disease. Therefore, it has been classified as a Variant of Uncertain Significance.